The following is an entry in ClinVar:

ClinVar aggregate classification (germline): Likely pathogenic (1 of 4 stars; one submission).

Conditions:
Osteogenesis imperfecta type 6. Also called: Osteogenesis imperfecta, type VI. Identifiers: Orphanet 666, MedGen C3279564, MONDO:0013515, OMIM 613982.

Submission:

Laboratory of Functional Genomics, Research Centre for Medical Genetics
Classification: Likely pathogenic for Osteogenesis imperfecta type 6. Review status: criteria provided, single submitter. Criteria: ACMG Guidelines, 2015. Collection method: clinical testing. Allele origin: paternal. Inheritance: Autosomal recessive inheritance. Affected: yes.
Comment: RT-PCR analysis performed on the proband's fibroblasts revealed no effect of c.992_993insCA on SERPINF1 mRNA splicing or gene expression. Thus, the variant exerts its pathogenic molecular mechanism through protein truncation, resulting in the loss of 86 amino acids (p.Glu331AspfsTer3). This variant meets the PM2 and PVS1 criteria of ACMG 2015 and is classified as likely pathogenic.

NM_002615.7(SERPINF1):c.992_993insCA (p.Glu331fs)

Gene: SERPINF1 (serpin family F member 1; plus strand). Cytogenetic location: 17p13.3.
Variant type: Insertion.
Coding change: c.992_993insCA on transcript NM_002615.7 (MANE Select); coding-DNA positions 992 to 993, CA inserted.
Protein change: p.Glu331fs; shifts the reading frame from glutamic acid 331.
Molecular consequence: frameshift variant.
Genome position: GRCh38 VCF-style: chr17-1776736-G-GAC. GRCh37 (hg19) VCF-style: chr17-1680030-G-GAC.
Other names: c.992_993insCA, p.Glu331fs (NM_001329903.2); c.431_432insCA, p.Glu144fs (NM_001329904.2, NM_001329905.2); short protein forms E144fs, E331fs.
Identifiers: ClinVar variation 4819956 (VCV004819956.1).